The following is an entry in ClinVar:

NM_177402.5(SYT2):c.1219C>G (p.Pro407Ala)

Gene: SYT2 (synaptotagmin 2; minus strand). Cytogenetic location: 1q32.1.
Variant type: single nucleotide variant.
Coding change: c.1219C>G on transcript NM_177402.5 (MANE Select); coding-DNA position 1219, C replaced by G.
Protein change: p.Pro407Ala; replaces proline 407 with alanine.
Molecular consequence: missense variant.
Genome position (GRCh38, 1-based): chr1:202,596,798, G>C on the plus strand (C>G on the coding strand, the complement: SYT2 is on the minus strand). VCF-style: chr1-202596798-G-C. GRCh37 (hg19) VCF-style: chr1-202565926-G-C.
Other names: c.1219C>G, p.Pro407Ala (NM_001136504.1); short protein forms P407A.
Identifiers: ClinVar variation 4691387 (VCV004691387.1).

ClinVar aggregate classification (germline): Uncertain significance (1 of 4 stars; one submission).

Submission:

Labcorp Genetics (formerly Invitae), Labcorp
Classification: Uncertain significance. Last evaluated: 2025-06-27. Review status: criteria provided, single submitter. Criteria: Invitae Variant Classification Sherloc (09022015). Collection method: clinical testing. Allele origin: germline.
Comment: This sequence change replaces proline, which is neutral and non-polar, with alanine, which is neutral and non-polar, at codon 407 of the SYT2 protein (p.Pro407Ala). This variant is not present in population databases (gnomAD no frequency). This variant has not been reported in the literature in individuals affected with SYT2-related conditions. An algorithm developed to predict the effect of missense changes on protein structure and function (PolyPhen-2) suggests that this variant is likely to be disruptive. In summary, the available evidence is currently insufficient to determine the role of this variant in disease. Therefore, it has been classified as a Variant of Uncertain Significance.